The following is an entry in ClinVar:

ClinVar aggregate classification (germline): Uncertain significance. Review status: criteria provided, multiple submitters, no conflicts (2 of 4 stars). 2 submissions from 2 submitters: Uncertain significance (2). Last evaluated 2026-01-16.

Conditions:
Inborn genetic diseases. Identifiers: MedGen C0950123, MeSH D030342.

Allele frequency attached by ClinVar (database versions not stated): gnomAD 0.00001.
gnomAD v4.1: 1 of 1,614,110 alleles (0.000062%); highest among the groups gnomAD compares: Non-Finnish European, 0.000085%; no homozygotes.

Submissions (2):

Labcorp Genetics (formerly Invitae), Labcorp
Classification: Uncertain significance. Last evaluated: 2026-01-16. Review status: criteria provided, single submitter. Criteria: Invitae Variant Classification Sherloc (09022015). Collection method: clinical testing. Allele origin: germline.
Comment: This sequence change replaces asparagine, which is neutral and polar, with lysine, which is basic and polar, at codon 356 of the ETV6 protein (p.Asn356Lys). This variant is not present in population databases (gnomAD no frequency). This variant has not been reported in the literature in individuals affected with ETV6-related conditions. ClinVar contains an entry for this variant (Variation ID: 3022575). Invitae Evidence Modeling of protein sequence and biophysical properties (such as structural, functional, and spatial information, amino acid conservation, physicochemical variation, residue mobility, and thermodynamic stability) has been performed for this missense variant. However, the output from this modeling did not meet the statistical confidence thresholds required to predict the impact of this variant on ETV6 protein function. In summary, the available evidence is currently insufficient to determine the role of this variant in disease. Therefore, it has been classified as a Variant of Uncertain Significance.

Ambry Genetics
Classification: Uncertain significance for Inborn genetic diseases. Last evaluated: 2025-08-23. Review status: criteria provided, single submitter. Criteria: Ambry Variant Classification Scheme 2023. Collection method: clinical testing. Allele origin: germline.
Comment: The p.N356K variant (also known as c.1068C>G), located in coding exon 6 of the ETV6 gene, results from a C to G substitution at nucleotide position 1068. The asparagine at codon 356 is replaced by lysine, an amino acid with similar properties. This amino acid position is conserved. In addition, this alteration is predicted to be tolerated by in silico analysis. Based on the available evidence, the clinical significance of this variant remains unclear.

NM_001987.5(ETV6):c.1068C>G (p.Asn356Lys)

Genes: ETV6 (ETS variant transcription factor 6; plus strand), LOC126861452 (CDK7 strongly-dependent group 2 enhancer GRCh37_chr12:12037195-12038394; plus strand). Cytogenetic location: 12p13.2.
Variant type: single nucleotide variant.
Coding change: c.1068C>G on transcript NM_001987.5 (MANE Select); coding-DNA position 1068, C replaced by G.
Protein change: p.Asn356Lys; replaces asparagine 356 with lysine.
Molecular consequence: missense variant. On other transcripts: intron variant (1).
Genome position (GRCh38, 1-based): chr12:11,884,503, C>G. VCF-style: chr12-11884503-C-G. GRCh37 (hg19) VCF-style: chr12-12037437-C-G.
Other names: c.1065C>G, p.Asn355Lys (NM_001413913.1); c.1041C>G, p.Asn347Lys (NM_001413914.1); c.804C>G, p.Asn268Lys (NM_001413915.1); c.1010-6438C>G (NM_001413917.1); short protein forms N268K, N347K, N355K, N356K.
Identifiers: ClinVar variation 3022575 (VCV003022575.4), dbSNP rs757419113, ClinGen allele CA384044593.